The following is an entry in ClinVar:

ClinVar aggregate classification (germline): Uncertain significance (1 of 4 stars; one submission).

Submission:

Women's Health and Genetics/Laboratory Corporation of America, LabCorp
Classification: Uncertain significance. Last evaluated: 2024-06-10. Review status: criteria provided, single submitter. Criteria: LabCorp Variant Classification Summary - May 2015. Collection method: clinical testing. Allele origin: germline.
Comment: Variant summary: SYNE1 c.4541C>T (p.Ala1514Val) results in a non-conservative amino acid change in the encoded protein sequence. Four of five in-silico tools predict a benign effect of the variant on protein function. The variant was absent in 251382 control chromosomes. The available data on variant occurrences in the general population are insufficient to allow any conclusion about variant significance. To our knowledge, no occurrence of c.4541C>T in individuals affected with SYNE1-Related Disorders and no experimental evidence demonstrating its impact on protein function have been reported. No submitters have cited clinical-significance assessments for this variant to ClinVar. Based on the evidence outlined above, the variant was classified as uncertain significance.

NM_182961.4(SYNE1):c.4520C>T (p.Ala1507Val)

Gene: SYNE1 (spectrin repeat containing nuclear envelope protein 1; minus strand). Cytogenetic location: 6q25.2.
Variant type: single nucleotide variant.
Coding change: c.4520C>T on transcript NM_182961.4 (MANE Select); coding-DNA position 4520, C replaced by T.
Protein change: p.Ala1507Val; replaces alanine 1507 with valine.
Molecular consequence: missense variant.
Genome position (GRCh38, 1-based): chr6:152,430,651, G>A on the plus strand (C>T on the coding strand, the complement: SYNE1 is on the minus strand). VCF-style: chr6-152430651-G-A. GRCh37 (hg19) VCF-style: chr6-152751786-G-A.
Other names: c.4541C>T, p.Ala1514Val (NM_033071.5); short protein forms A1507V, A1514V.
Identifiers: ClinVar variation 3339651 (VCV003339651.1).